The following is an entry in ClinVar:

ClinVar aggregate classification (germline): Uncertain significance (1 of 4 stars; one submission).

Allele frequency attached by ClinVar (database versions not stated): ExAC 0.00001; TOPMed 0.00003; gnomAD exomes below 0.00001.
gnomAD v4.1: 4 of 1,614,054 alleles (0.00025%); highest among the groups gnomAD compares: South Asian, 0.0022%; no homozygotes.

Submission:

Labcorp Genetics (formerly Invitae), Labcorp
Classification: Uncertain significance. Last evaluated: 2022-06-28. Review status: criteria provided, single submitter. Criteria: Invitae Variant Classification Sherloc (09022015). Collection method: clinical testing. Allele origin: germline.
Comment: This sequence change affects codon 1260 of the LRPPRC mRNA. It is a 'silent' change, meaning that it does not change the encoded amino acid sequence of the LRPPRC protein. This variant is present in population databases (rs778484418, gnomAD 0.003%). This variant has not been reported in the literature in individuals affected with LRPPRC-related conditions. Algorithms developed to predict the effect of sequence changes on RNA splicing suggest that this variant may create or strengthen a splice site. In summary, the available evidence is currently insufficient to determine the role of this variant in disease. Therefore, it has been classified as a Variant of Uncertain Significance.

NM_133259.4(LRPPRC):c.3780A>G (p.Gln1260=)

Gene: LRPPRC (leucine rich pentatricopeptide repeat containing; minus strand). Cytogenetic location: 2p21.
Variant type: single nucleotide variant.
Coding change: c.3780A>G on transcript NM_133259.4 (MANE Select); coding-DNA position 3780, A replaced by G.
Protein change: p.Gln1260=; no amino-acid change (glutamine 1260 retained).
Molecular consequence: synonymous variant.
Genome position (GRCh38, 1-based): chr2:43,899,264, T>C on the plus strand (A>G on the coding strand, the complement: LRPPRC is on the minus strand). VCF-style: chr2-43899264-T-C. GRCh37 (hg19) VCF-style: chr2-44126403-T-C.
Identifiers: ClinVar variation 1525879 (VCV001525879.3), dbSNP rs778484418, ClinGen allele CA1637948.
Genomic context (GRCh38, chr2:43,899,264, plus strand): 5'-GTGGAGGGTCATTACCTGTAGGAGAGCTCTGGCATCATCCACCTTGCCTGCATCCACAAG[T>C]TGAAGGAAAAAATCAGTGACAGGTTTATAAATTGCAAACTGATTGGCCAATCTCTCCGCC-3'
Protein context (NP_573566.2, residues 1250-1270): IYKPVTDFFL[Gln1260=]LVDAGKVDDA